The following is an entry in ClinVar:

ClinVar aggregate classification (germline): Uncertain significance (1 of 4 stars; one submission).

Submission:

Labcorp Genetics (formerly Invitae), Labcorp
Classification: Uncertain significance. Last evaluated: 2025-06-10. Review status: criteria provided, single submitter. Criteria: Invitae Variant Classification Sherloc (09022015). Collection method: clinical testing. Allele origin: germline.
Comment: This sequence change creates a premature translational stop signal (p.Thr173Hisfs*13) in the GATA5 gene. It is expected to result in an absent or disrupted protein product. However, the current clinical and genetic evidence is not sufficient to establish whether loss-of-function variants in GATA5 cause disease. This variant is not present in population databases (gnomAD no frequency). This variant has not been reported in the literature in individuals affected with GATA5-related conditions. In summary, the available evidence is currently insufficient to determine the role of this variant in disease. Therefore, it has been classified as a Variant of Uncertain Significance.

NM_080473.5(GATA5):c.516dup (p.Thr173fs)

Gene: GATA5 (GATA binding protein 5; minus strand). Cytogenetic location: 20q13.33.
Variant type: Duplication.
Coding change: c.516dup on transcript NM_080473.5 (MANE Select); coding-DNA position 516, one base duplicated (C; older notation c.516dupC).
Protein change: p.Thr173fs; shifts the reading frame from threonine 173.
Molecular consequence: frameshift variant.
Genome position (GRCh38, 1-based): chr20:62,475,006, G duplicated on the plus strand (C on the coding strand, the reverse complement: GATA5 is on the minus strand); the first of 3 consecutive G bases (chr20:62,475,006-62,475,008); duplicating any one gives the same sequence. VCF-style (leftmost placement, unchanged base first): chr20-62475005-T-TG. GRCh37 (hg19) VCF-style: chr20-61050061-T-TG.
Other names: short protein forms T173fs.
Identifiers: ClinVar variation 4721099 (VCV004721099.1).